The following is an entry in ClinVar:

ClinVar aggregate classification (germline): Uncertain significance (1 of 4 stars; one submission).

Allele frequency attached by ClinVar (database versions not stated): TOPMed below 0.00001.

Submission:

Labcorp Genetics (formerly Invitae), Labcorp
Classification: Uncertain significance. Last evaluated: 2023-07-07. Review status: criteria provided, single submitter. Criteria: Invitae Variant Classification Sherloc (09022015). Collection method: clinical testing. Allele origin: germline.
Comment: Advanced modeling of protein sequence and biophysical properties (such as structural, functional, and spatial information, amino acid conservation, physicochemical variation, residue mobility, and thermodynamic stability) performed at Invitae indicates that this missense variant is not expected to disrupt DCHS1 protein function. This variant has not been reported in the literature in individuals affected with DCHS1-related conditions. This variant is not present in population databases (gnomAD no frequency). This sequence change replaces alanine, which is neutral and non-polar, with threonine, which is neutral and polar, at codon 2619 of the DCHS1 protein (p.Ala2619Thr). In summary, the available evidence is currently insufficient to determine the role of this variant in disease. Therefore, it has been classified as a Variant of Uncertain Significance.

NM_003737.4(DCHS1):c.7855G>A (p.Ala2619Thr)

Gene: DCHS1 (dachsous cadherin-related 1; minus strand). Cytogenetic location: 11p15.4.
Variant type: single nucleotide variant.
Coding change: c.7855G>A on transcript NM_003737.4 (MANE Select); coding-DNA position 7855, G replaced by A.
Protein change: p.Ala2619Thr; replaces alanine 2619 with threonine.
Molecular consequence: missense variant.
Genome position (GRCh38, 1-based): chr11:6,623,821, C>T on the plus strand (G>A on the coding strand, the complement: DCHS1 is on the minus strand). VCF-style: chr11-6623821-C-T. GRCh37 (hg19) VCF-style: chr11-6645052-C-T.
Other names: short protein forms A2619T.
Identifiers: ClinVar variation 2976576 (VCV002976576.3), dbSNP rs745847896, ClinGen allele CA379482235.